The following is an entry in ClinVar:

ClinVar aggregate classification (germline): Benign/Likely benign. Review status: criteria provided, multiple submitters, no conflicts (2 of 4 stars). 10 submissions from 10 submitters: Benign (8); Likely benign (2). Last evaluated 2026-02-04.

Conditions:
Autosomal recessive nonsyndromic hearing loss 8 (DFNB8). Also called: Deafness, autosomal recessive 10; NEUROSENSORY NONSYNDROMIC RECESSIVE DEAFNESS 8. Identifiers: Orphanet 90636, MedGen C1832827, MONDO:0010987, OMIM 601072.

Allele frequency attached by ClinVar (database versions not stated): ESP Exome Variant Server 0.03498; ExAC 0.03300; gnomAD exomes 0.04628 and 0.03178; 1000 Genomes Project 0.01018; gnomAD 0.03191 and 0.03352; 1000 Genomes Project 30x 0.01015; TOPMed 0.03095.
gnomAD v4.1: 72,092 of 1,614,130 alleles (4.5%); highest among the groups gnomAD compares: Non-Finnish European, 5.4%; 1,917 homozygotes.

Submissions (10):

Labcorp Genetics (formerly Invitae), Labcorp
Classification: Benign. Last evaluated: 2026-02-04. Review status: criteria provided, single submitter. Criteria: Invitae Variant Classification Sherloc (09022015). Collection method: clinical testing. Allele origin: germline.

ARUP Laboratories, Molecular Genetics and Genomics, ARUP Laboratories
Classification: Benign for Autosomal recessive nonsyndromic hearing loss 8. Last evaluated: 2023-11-29. Review status: criteria provided, single submitter. Criteria: ARUP Molecular Germline Variant Investigation Process 2024. Collection method: clinical testing. Allele origin: germline.

Fulgent Genetics
Classification: Benign for Autosomal recessive nonsyndromic hearing loss 8. Last evaluated: 2022-05-20. Review status: criteria provided, single submitter. Criteria: ACMG Guidelines, 2015. Collection method: clinical testing. Allele origin: unknown.

Mayo Clinic Laboratories, Mayo Clinic
Classification: Benign. Last evaluated: 2021-02-19. Review status: criteria provided, single submitter. Criteria: ACMG Guidelines, 2015. Collection method: clinical testing. Allele origin: germline. Observed: 16 variant alleles.

GeneDx
Classification: Benign. Last evaluated: 2017-09-08. Review status: criteria provided, single submitter. Criteria: GeneDx Variant Classification (06012015). Collection method: clinical testing. Allele origin: germline. Affected: yes.
Comment: This variant is considered likely benign or benign based on one or more of the following criteria: it is a conservative change, it occurs at a poorly conserved position in the protein, it is predicted to be benign by multiple in silico algorithms, and/or has population frequency not consistent with disease.

Illumina Laboratory Services, Illumina
Classification: Likely benign for Autosomal recessive nonsyndromic hearing loss 8. Last evaluated: 2017-04-27. Review status: criteria provided, single submitter. Criteria: ICSL Variant Classification Criteria 13 December 2019. Collection method: clinical testing. Allele origin: germline.
Comment: This variant was observed as part of a predisposition screen in an ostensibly healthy population. A literature search was performed for the gene, cDNA change, and amino acid change (where applicable). Publications were found based on this search. The evidence from the literature, in combination with allele frequency data from public databases where available, was sufficient to determine this variant is unlikely to cause disease. Therefore, this variant is classified as likely benign.

Eurofins Ntd Llc (ga)
Classification: Benign. Last evaluated: 2014-12-16. Review status: criteria provided, single submitter. Criteria: EGL Classification Definitions 2015. Collection method: clinical testing. Allele origin: germline. Observed: 2 variant alleles, 2 heterozygotes.

Laboratory for Molecular Medicine, Mass General Brigham Personalized Medicine
Classification: Benign. Last evaluated: 2010-10-26. Review status: criteria provided, single submitter. Criteria: LMM Criteria. Collection method: clinical testing. Allele origin: germline. Observed: 145 variant alleles.
Comment: Ala90Thr in exon 4 of TMPRSS3: This variant has been identified in 4/178 (2.2%) probands with hearing loss (Rehm, unpublished data; Hutchin 2005) and was absent from 165 controls. However, in all 4 probands, a second variant was not identif ied. In addition, this variant has been identified in several control studies (r s45598239 ? 4 submissions) including 2/10 controls in our laboratory. In summary , this data suggests that the variant is benign.

Breakthrough Genomics
Classification: Likely benign. Review status: criteria provided, single submitter. Criteria: ACMG Guidelines, 2015. Collection method: not provided. Allele origin: germline. Inheritance: Autosomal recessive inheritance. Affected: yes.

PreventionGenetics, part of Exact Sciences
Classification: Benign. Review status: criteria provided, single submitter. Criteria: ACMG Guidelines, 2015. Collection method: clinical testing. Allele origin: germline.

Literature cited by the submitters: PubMed 16283880 (cited by Illumina Laboratory Services, Illumina and Laboratory for Molecular Medicine, Mass General Brigham Personalized Medicine).

NM_001256317.3(TMPRSS3):c.268G>A (p.Ala90Thr)

Gene: TMPRSS3 (transmembrane serine protease 3; minus strand). Cytogenetic location: 21q22.3.
Variant type: single nucleotide variant.
Coding change: c.268G>A on transcript NM_001256317.3 (MANE Select); coding-DNA position 268, G replaced by A.
Protein change: p.Ala90Thr; replaces alanine 90 with threonine.
Molecular consequence: missense variant. On other transcripts: 5 prime UTR variant (1).
Genome position (GRCh38, 1-based): chr21:42,388,983, C>T on the plus strand (G>A on the coding strand, the complement: TMPRSS3 is on the minus strand). VCF-style: chr21-42388983-C-T. GRCh37 (hg19) VCF-style: chr21-43809092-C-T.
Other names: c.268G>A, p.Ala90Thr (NM_024022.4, NM_032405.2); c.-114G>A (NM_032404.3); short protein forms A90T.
Identifiers: ClinVar variation 46107 (VCV000046107.32), dbSNP rs45598239, ClinGen allele CA137696.